The following is an entry in ClinVar:

NM_005559.4(LAMA1):c.3920G>A (p.Arg1307Gln)

Gene: LAMA1 (laminin subunit alpha 1; minus strand). Cytogenetic location: 18p11.31.
Variant type: single nucleotide variant.
Coding change: c.3920G>A on transcript NM_005559.4 (MANE Select); coding-DNA position 3920, G replaced by A.
Protein change: p.Arg1307Gln; replaces arginine 1307 with glutamine.
Molecular consequence: missense variant.
Genome position (GRCh38, 1-based): chr18:7,009,320, C>T on the plus strand (G>A on the coding strand, the complement: LAMA1 is on the minus strand). VCF-style: chr18-7009320-C-T. GRCh37 (hg19) VCF-style: chr18-7009319-C-T.
Other names: c.3920G>A (NM_005559.3); short protein forms R1307Q.
Identifiers: ClinVar variation 1898021 (VCV001898021.5), dbSNP rs574069798, ClinGen allele CA8882096.

ClinVar aggregate classification (germline): Uncertain significance. Review status: criteria provided, multiple submitters, no conflicts (2 of 4 stars). 3 submissions from 3 submitters: Uncertain significance (3). Last evaluated 2024-01-22.

Conditions:
Inborn genetic diseases. Identifiers: MedGen C0950123, MeSH D030342.

Allele frequency attached by ClinVar (database versions not stated): gnomAD exomes 0.00001; ExAC 0.00002; gnomAD 0.00003; TOPMed 0.00004.
gnomAD v4.1: 24 of 1,613,896 alleles (0.0015%); highest among the groups gnomAD compares: East Asian, 0.0067%; no homozygotes.

Submissions (3):

Ambry Genetics
Classification: Uncertain significance for Inborn genetic diseases. Last evaluated: 2024-01-22. Review status: criteria provided, single submitter. Criteria: Ambry Variant Classification Scheme 2023. Collection method: clinical testing. Allele origin: germline.

Blueprint Genetics
Classification: Uncertain significance. Last evaluated: 2022-07-05. Review status: criteria provided, single submitter. Criteria: ACMG Guidelines, 2015. Collection method: clinical testing. Allele origin: germline.

Labcorp Genetics (formerly Invitae), Labcorp
Classification: Uncertain significance. Last evaluated: 2022-04-10. Review status: criteria provided, single submitter. Criteria: Invitae Variant Classification Sherloc (09022015). Collection method: clinical testing. Allele origin: germline.
Comment: This sequence change replaces arginine, which is basic and polar, with glutamine, which is neutral and polar, at codon 1307 of the LAMA1 protein (p.Arg1307Gln). This variant is present in population databases (rs574069798, gnomAD 0.01%). In summary, the available evidence is currently insufficient to determine the role of this variant in disease. Therefore, it has been classified as a Variant of Uncertain Significance. Algorithms developed to predict the effect of missense changes on protein structure and function are either unavailable or do not agree on the potential impact of this missense change (SIFT: "Deleterious"; PolyPhen-2: "Possibly Damaging"; Align-GVGD: "Class C0"). This variant has not been reported in the literature in individuals affected with LAMA1-related conditions.